The following is an entry in ClinVar:

ClinVar aggregate classification (germline): Uncertain significance (1 of 4 stars; one submission).

Conditions:
Charcot-Marie-Tooth disease type 2. Also called: Charcot-Marie-Tooth type 2. Identifiers: Orphanet 64746, MedGen C0270914, MONDO:0018993.

Allele frequency attached by ClinVar (database versions not stated): gnomAD exomes below 0.00001.
gnomAD v4.1: 1 of 1,614,174 alleles (0.000062%); highest among the groups gnomAD compares: Non-Finnish European, 0.000085%; no homozygotes.

Submission:

Labcorp Genetics (formerly Invitae), Labcorp
Classification: Uncertain significance for Charcot-Marie-Tooth disease type 2. Last evaluated: 2024-01-03. Review status: criteria provided, single submitter. Criteria: Invitae Variant Classification Sherloc (09022015). Collection method: clinical testing. Allele origin: germline.
Comment: This sequence change replaces glutamine, which is neutral and polar, with lysine, which is basic and polar, at codon 198 of the LMNA protein (p.Gln198Lys). This variant is not present in population databases (gnomAD no frequency). This missense change has been observed in individual(s) with clinical features of arrhythmogenic right ventricular cardiomyopathy (Invitae). ClinVar contains an entry for this variant (Variation ID: 1401075). Advanced modeling of protein sequence and biophysical properties (such as structural, functional, and spatial information, amino acid conservation, physicochemical variation, residue mobility, and thermodynamic stability) performed at Invitae indicates that this missense variant is expected to disrupt LMNA protein function with a positive predictive value of 95%. In summary, the available evidence is currently insufficient to determine the role of this variant in disease. Therefore, it has been classified as a Variant of Uncertain Significance.

NM_170707.4(LMNA):c.592C>A (p.Gln198Lys)

Gene: LMNA (lamin A/C; plus strand). Cytogenetic location: 1q22.
Variant type: single nucleotide variant.
Coding change: c.592C>A on transcript NM_170707.4 (MANE Select); coding-DNA position 592, C replaced by A.
Protein change: p.Gln198Lys; replaces glutamine 198 with lysine.
Molecular consequence: missense variant.
Genome position (GRCh38, 1-based): chr1:156,134,481, C>A. VCF-style: chr1-156134481-C-A. GRCh37 (hg19) VCF-style: chr1-156104272-C-A.
Other names: c.256C>A, p.Gln86Lys (NM_001257374.3); c.349C>A, p.Gln117Lys (NM_001282624.2); c.592C>A, p.Gln198Lys (NM_001282625.2, NM_001282626.2, NM_005572.4 and 1 more transcripts); short protein forms Q198K, Q117K, Q86K.
Identifiers: ClinVar variation 1401075 (VCV001401075.6), dbSNP rs1553265165, ClinGen allele CA342816990.
Genomic context (GRCh38, chr1:156,134,481, plus strand): 5'-GAGGCCAAGAAGCAACTTCAGGATGAGATGCTGCGGCGGGTGGATGCTGAGAACAGGCTG[C>A]AGACCATGAAGGAGGAACTGGACTTCCAGAAGAACATCTACAGTGAGGTGGGGACTGTGC-3'
Protein context (NP_733821.1, residues 188-208): LRRVDAENRL[Gln198Lys]TMKEELDFQK